The following is an entry in ClinVar:

NM_012243.3(SLC35A3):c.753+6G>A

Gene: SLC35A3 (solute carrier family 35 member A3; plus strand). Cytogenetic location: 1p21.2.
Variant type: single nucleotide variant.
Coding change: c.753+6G>A on transcript NM_012243.3 (MANE Select); 6 bases into the intron after coding-DNA position 753, G replaced by A.
Molecular consequence: intron variant.
Genome position (GRCh38, 1-based): chr1:100,015,426, G>A. VCF-style: chr1-100015426-G-A. GRCh37 (hg19) VCF-style: chr1-100480982-G-A.
Other names: c.753+6G>A (NM_001438725.1, NM_001438728.1); c.634+3893G>A (NM_001271684.2); c.630+6G>A (NM_001437717.1, NM_001437713.1); c.511+3893G>A (NM_001438729.1); c.879+6G>A (NM_001271685.2).
Identifiers: ClinVar variation 4833036 (VCV004833036.1).
Genomic context (GRCh38, chr1:100,015,426, plus strand): 5'-GAATGGATTTTTTCAGGGATATAACCGACTGACCTGGATAGTAGTTGTTCTTCAGGTAAA[G>A]CATTTAAAGTCTTAGATTTAATGCTAATAAACTGTATTTTAATATAAAGAATCAAAGTAG-3'

ClinVar aggregate classification (germline): Uncertain significance (1 of 4 stars; one submission).

Conditions:
Inborn genetic diseases. Identifiers: MedGen C0950123, MeSH D030342.

Submission:

Ambry Genetics
Classification: Uncertain significance for Inborn genetic diseases. Last evaluated: 2025-12-22. Review status: criteria provided, single submitter. Criteria: Ambry Variant Classification Scheme 2023. Collection method: clinical testing. Allele origin: germline.
Comment: The c.753+6G>A intronic alteration consists of a G to A substitution nucleotides after coding exon 5 in the SLC35A3 gene. Based on data from gnomAD, the A allele has an overall frequency of <0.001% (1/232632) total alleles studied. The highest observed frequency was 0.006% (1/15580) of African alleles. Based on insufficient or conflicting evidence, the clinical significance of this alteration remains unclear.